The following is an entry in ClinVar:

NM_020461.4(TUBGCP6):c.86A>C (p.Asn29Thr)

Gene: TUBGCP6 (tubulin gamma complex component 6; minus strand). Cytogenetic location: 22q13.33.
Variant type: single nucleotide variant.
Coding change: c.86A>C on transcript NM_020461.4 (MANE Select); coding-DNA position 86, A replaced by C.
Protein change: p.Asn29Thr; replaces asparagine 29 with threonine.
Molecular consequence: missense variant.
Genome position (GRCh38, 1-based): chr22:50,244,374, T>G on the plus strand (A>C on the coding strand, the complement: TUBGCP6 is on the minus strand). VCF-style: chr22-50244374-T-G. GRCh37 (hg19) VCF-style: chr22-50682803-T-G.
Other names: short protein forms N29T.
Identifiers: ClinVar variation 1417621 (VCV001417621.8), dbSNP rs2147222965, ClinGen allele CA412117278.
Genomic context (GRCh38, chr22:50,244,374, plus strand): 5'-AGATTTGTGAAAAGAGCATTGTAGGCCACCTTCTTGAGGCTCCGCTTTGCCCTCTTCCGG[T>G]TCACACTGCGCTGGCCCAGGTGAGTCTTGGCAGCCGGCAGGAGGGCCTCACACAGGTCGT-3'
Protein context (NP_065194.3, residues 19-39): AKTHLGQRSV[Asn29Thr]RKRAKRSLKK

ClinVar aggregate classification (germline): Uncertain significance (1 of 4 stars; one submission).

Allele frequency attached by ClinVar (database versions not stated): gnomAD exomes below 0.00001.
gnomAD v4.1: 1 of 1,613,330 alleles (0.000062%); highest among the groups gnomAD compares: Non-Finnish European, 0.000085%; no homozygotes.

Submission:

Labcorp Genetics (formerly Invitae), Labcorp
Classification: Uncertain significance. Last evaluated: 2021-03-28. Review status: criteria provided, single submitter. Criteria: Invitae Variant Classification Sherloc (09022015). Collection method: clinical testing. Allele origin: germline.
Comment: This variant has not been reported in the literature in individuals with TUBGCP6-related conditions. Algorithms developed to predict the effect of missense changes on protein structure and function (SIFT, PolyPhen-2, Align-GVGD) all suggest that this variant is likely to be tolerated, but these predictions have not been confirmed by published functional studies and their clinical significance is uncertain. In summary, the available evidence is currently insufficient to determine the role of this variant in disease. Therefore, it has been classified as a Variant of Uncertain Significance. This variant is not present in population databases (ExAC no frequency). This sequence change replaces asparagine with threonine at codon 29 of the TUBGCP6 protein (p.Asn29Thr). The asparagine residue is weakly conserved and there is a small physicochemical difference between asparagine and threonine.